The following is an entry in ClinVar:

NM_004715.5(CTDP1):c.2191G>A (p.Asp731Asn)

Gene: CTDP1 (CTD phosphatase 1; plus strand). Cytogenetic location: 18q23.
Variant type: single nucleotide variant.
Coding change: c.2191G>A on transcript NM_004715.5 (MANE Select); coding-DNA position 2191, G replaced by A.
Protein change: p.Asp731Asn; replaces aspartic acid 731 with asparagine.
Molecular consequence: missense variant.
Genome position (GRCh38, 1-based): chr18:79,717,657, G>A. VCF-style: chr18-79717657-G-A. GRCh37 (hg19) VCF-style: chr18-77477657-G-A.
Other names: c.1834G>A, p.Asp612Asn (NM_001202504.1); c.2191G>A, p.Asp731Asn (NM_001318511.2, NM_048368.4); short protein forms D612N, D731N.
Identifiers: ClinVar variation 3629584 (VCV003629584.3).
Genomic context (GRCh38, chr18:79,717,657, plus strand): 5'-CTGTGGAGCTGCCTGGAGCGCTGGGACAAGGTGGAGGAGCAGCTCTTCCCGCTCAGGGAC[G>A]ATCACACCAAGGCACAGAGGTGGGTCCTCGCTGCACCCAGCAGGTCCGTGCCAGGCGTTC-3'
Protein context (NP_004706.3, residues 721-741): VEEQLFPLRD[Asp731Asn]HTKAQRENSP

ClinVar aggregate classification (germline): Uncertain significance. Review status: criteria provided, multiple submitters, no conflicts (2 of 4 stars). 2 submissions from 2 submitters: Uncertain significance (2). Last evaluated 2024-11-29.

gnomAD v4.1: 15 of 1,614,036 alleles (0.00093%); highest among the groups gnomAD compares: East Asian, 0.0089%; no homozygotes.

Submissions (2):

Women's Health and Genetics/Laboratory Corporation of America, LabCorp
Classification: Uncertain significance. Last evaluated: 2024-11-29. Review status: criteria provided, single submitter. Criteria: LabCorp Variant Classification Summary - May 2015. Collection method: clinical testing. Allele origin: germline.
Comment: Variant summary: CTDP1 c.2191G>A (p.Asp731Asn) results in a conservative amino acid change located in the FCP1-like phosphatase, C-terminal domain (IPR015388) of the encoded protein sequence. Three of five in-silico tools predict a benign effect of the variant on protein function. The variant allele was found at a frequency of 1.6e-05 in 251158 control chromosomes. The available data on variant occurrences in the general population are insufficient to allow any conclusion about variant significance. To our knowledge, no occurrence of c.2191G>A in individuals affected with Congenital cataracts-facial dysmorphism-neuropathy syndrome and no experimental evidence demonstrating its impact on protein function have been reported. No submitters have cited clinical-significance assessments for this variant to ClinVar. Based on the evidence outlined above, the variant was classified as uncertain significance.

Blueprint Genetics
Classification: Uncertain significance. Last evaluated: 2023-01-25. Review status: criteria provided, single submitter. Criteria: ACMG Guidelines, 2015. Collection method: clinical testing. Allele origin: germline.